The following is an entry in ClinVar:

NM_000075.4(CDK4):c.331G>A (p.Gly111Ser)

Gene: CDK4 (cyclin dependent kinase 4; minus strand). Cytogenetic location: 12q14.1.
Variant type: single nucleotide variant.
Coding change: c.331G>A on transcript NM_000075.4 (MANE Select); coding-DNA position 331, G replaced by A.
Protein change: p.Gly111Ser; replaces glycine 111 with serine.
Molecular consequence: missense variant.
Genome position (GRCh38, 1-based): chr12:57,751,230, C>T on the plus strand (G>A on the coding strand, the complement: CDK4 is on the minus strand). VCF-style: chr12-57751230-C-T. GRCh37 (hg19) VCF-style: chr12-58145013-C-T.
Other names: short protein forms G111S.
Identifiers: ClinVar variation 485482 (VCV000485482.14), dbSNP rs1277385976, ClinGen allele CA385547605.

ClinVar aggregate classification (germline): Uncertain significance. Review status: criteria provided, multiple submitters, no conflicts (2 of 4 stars). 2 submissions from 2 submitters: Uncertain significance (2). Last evaluated 2024-04-30.

Conditions:
Hereditary cancer-predisposing syndrome. Also called: Neoplastic Syndromes, Hereditary; Tumor predisposition; Hereditary Cancer Syndrome; Hereditary neoplastic syndrome. Identifiers: Orphanet 140162, MedGen C0027672, MeSH D009386, MONDO:0015356.
Familial melanoma. Also called: Hereditary melanoma; Hereditary cutaneous melanoma. Identifiers: Orphanet 618, MedGen C1512419, MONDO:0018961.

Allele frequency attached by ClinVar (database versions not stated): gnomAD exomes below 0.00001.
gnomAD v4.1: 3 of 1,614,220 alleles (0.00019%); highest among the groups gnomAD compares: Non-Finnish European, 0.00025%; no homozygotes.

Submissions (2):

Labcorp Genetics (formerly Invitae), Labcorp
Classification: Uncertain significance for Familial melanoma. Last evaluated: 2024-04-30. Review status: criteria provided, single submitter. Criteria: Invitae Variant Classification Sherloc (09022015). Collection method: clinical testing. Allele origin: germline.
Comment: This sequence change replaces glycine, which is neutral and non-polar, with serine, which is neutral and polar, at codon 111 of the CDK4 protein (p.Gly111Ser). This variant is present in population databases (no rsID available, gnomAD 0.0009%). This variant has not been reported in the literature in individuals affected with CDK4-related conditions. ClinVar contains an entry for this variant (Variation ID: 485482). Advanced modeling of protein sequence and biophysical properties (such as structural, functional, and spatial information, amino acid conservation, physicochemical variation, residue mobility, and thermodynamic stability) performed at Invitae indicates that this missense variant is not expected to disrupt CDK4 protein function with a negative predictive value of 95%. In summary, the available evidence is currently insufficient to determine the role of this variant in disease. Therefore, it has been classified as a Variant of Uncertain Significance.

Ambry Genetics
Classification: Uncertain significance for Hereditary cancer-predisposing syndrome. Last evaluated: 2023-04-16. Review status: criteria provided, single submitter. Criteria: Ambry Variant Classification Scheme 2023. Collection method: clinical testing. Allele origin: germline.
Comment: The p.G111S variant (also known as c.331G>A), located in coding exon 2 of the CDK4 gene, results from a G to A substitution at nucleotide position 331. The glycine at codon 111 is replaced by serine, an amino acid with similar properties. This amino acid position is highly conserved in available vertebrate species. In addition, the in silico prediction for this alteration is inconclusive. Since supporting evidence is limited at this time, the clinical significance of this alteration remains unclear.